The following is an entry in ClinVar:

NM_032043.3(BRIP1):c.424_466del (p.Lys141_Lys142insTer)

Gene: BRIP1 (BRCA1 interacting DNA helicase 1; minus strand). Cytogenetic location: 17q23.2.
Variant type: Deletion.
Coding change: c.424_466del on transcript NM_032043.3 (MANE Select); coding-DNA positions 424 to 466, 43 bases deleted.
Protein change: p.Lys141_Lys142insTer.
Molecular consequence: nonsense.
Genome position (GRCh38, 1-based): chr17:61,849,170-61,849,212, 43 bases deleted; deleting any 43 consecutive bases within chr17:61,849,170-61,849,215 gives the same sequence; the c. name uses the placement nearest the transcript's 3' end. GRCh37 (hg19): chr17:59,926,534-59,926,576.
Identifiers: ClinVar variation 2584211 (VCV002584211.2), dbSNP rs2545419645, ClinGen allele CA2582342241.

ClinVar aggregate classification (germline): Pathogenic (1 of 4 stars; one submission).

Conditions:
Familial cancer of breast. Also called: BREAST CANCER, FAMILIAL; hereditary breast carcinoma; Hereditary breast cancer. Identifiers: Orphanet 227535, MedGen C0346153, MONDO:0016419, OMIM 114480. Disease mechanism: loss of function.

Submission:

Myriad Genetics, Inc.
Classification: Pathogenic for Familial cancer of breast. Last evaluated: 2023-05-30. Review status: criteria provided, single submitter. Criteria: Myriad Autosomal Dominant, Autosomal Recessive and X-Linked Classification Criteria (2023). Collection method: clinical testing. Allele origin: unknown.
Comment: This variant is considered pathogenic. This variant creates a termination codon and is predicted to result in premature protein truncation.